The following is an entry in ClinVar:

NM_001844.5(COL2A1):c.2410-13T>G

Gene: COL2A1 (collagen type II alpha 1 chain; minus strand). Cytogenetic location: 12q13.11.
Variant type: single nucleotide variant.
Coding change: c.2410-13T>G on transcript NM_001844.5 (MANE Select); 13 bases into the intron before coding-DNA position 2410, T replaced by G.
Molecular consequence: intron variant.
Genome position (GRCh38, 1-based): chr12:47,981,409, A>C on the plus strand (T>G on the coding strand, the complement: COL2A1 is on the minus strand). VCF-style: chr12-47981409-A-C. GRCh37 (hg19) VCF-style: chr12-48375192-A-C.
Other names: c.2203-13T>G (NM_033150.3).
Identifiers: ClinVar variation 882808 (VCV000882808.12), dbSNP rs574507277, ClinGen allele CA6535102.
Genomic context (GRCh38, chr12:47,981,409, plus strand): 5'-GCCACGAGCACCAGCACTTCCTGCAGGACCAGGAGGTCCAACTTCTCCCTGAGGGTGGGG[A>C]AGGGAGGAAGAGCTGGGGTAAGAAGGTGGGGAGGCAGAGTGGGAGAGGGCAAAGTGCATT-3'

ClinVar aggregate classification (germline): Conflicting classifications of pathogenicity. Review status: criteria provided, conflicting classifications (1 of 4 stars). 4 submissions from 3 submitters: Uncertain significance (1); Benign (1); Likely benign (2). Last evaluated 2025-03-26.

Conditions:
Type 2 collagenopathy. Identifiers: Orphanet 93421, MedGen C2931073, MONDO:0022800.
Stickler syndrome type 1 (STL1). Also called: COL2A1-Related Stickler Syndrome; STICKLER SYNDROME, MEMBRANOUS VITREOUS TYPE; STICKLER SYNDROME, VITREOUS TYPE 1; ARTHROOPHTHALMOPATHY, HEREDITARY PROGRESSIVE. Identifiers: Orphanet 828, Orphanet 90653, MedGen C2020284, MONDO:0007160, OMIM 108300.

Allele frequency attached by ClinVar (database versions not stated): gnomAD below 0.00001 and 0.00006; TOPMed 0.00001; gnomAD exomes 0.00005 and 0.00011; ExAC 0.00021; 1000 Genomes Project 0.00060; 1000 Genomes Project 30x 0.00062.

Submissions (4):

Labcorp Genetics (formerly Invitae), Labcorp
Classification: Likely benign. Last evaluated: 2025-03-26. Review status: criteria provided, single submitter. Criteria: Invitae Variant Classification Sherloc (09022015). Collection method: clinical testing. Allele origin: germline.

Blueprint Genetics
Classification: Likely benign. Last evaluated: 2022-08-15. Review status: criteria provided, single submitter. Criteria: ACMG Guidelines, 2015. Collection method: clinical testing. Allele origin: germline.

Illumina Laboratory Services, Illumina
Classification: Uncertain significance for Stickler syndrome type 1. Last evaluated: 2018-01-13. Review status: criteria provided, single submitter. Criteria: ICSL Variant Classification Criteria 13 December 2019. Collection method: clinical testing. Allele origin: germline.

Illumina Laboratory Services, Illumina
Classification: Benign for Type II Collagenopathies. Last evaluated: 2018-01-13. Review status: criteria provided, single submitter. Criteria: ICSL Variant Classification Criteria 13 December 2019. Collection method: clinical testing. Allele origin: germline.
Comment: This variant was observed in the ICSL laboratory as part of a predisposition screen in an ostensibly healthy population. It had not been previously curated by ICSL or reported in the Human Gene Mutation Database (HGMD: prior to June 1st, 2018), and was therefore a candidate for classification through an automated scoring system. Utilizing variant allele frequency, disease prevalence and penetrance estimates, and inheritance mode, an automated score was calculated to assess if this variant is too frequent to cause the disease. Based on the score and internal cut-off values, a variant classified as benign is not then subjected to further curation. The score for this variant resulted in a classification of benign for this disease.